The following is an entry in ClinVar:

ClinVar aggregate classification (germline): Uncertain significance (1 of 4 stars; one submission).

Conditions:
Nemaline myopathy 2 (NEM2). Also called: Nemaline myopathy 2, autosomal recessive. Identifiers: MedGen C1850569, MONDO:0009725, OMIM 256030.

Allele frequency attached by ClinVar (database versions not stated): gnomAD exomes below 0.00001; ExAC 0.00001; gnomAD 0.00001.
gnomAD v4.1: 5 of 1,612,974 alleles (0.00031%); highest among the groups gnomAD compares: Non-Finnish European, 0.00042%; no homozygotes.

Submission:

Labcorp Genetics (formerly Invitae), Labcorp
Classification: Uncertain significance for Nemaline myopathy 2. Last evaluated: 2023-11-27. Review status: criteria provided, single submitter. Criteria: Invitae Variant Classification Sherloc (09022015). Collection method: clinical testing. Allele origin: germline.
Comment: This sequence change replaces isoleucine, which is neutral and non-polar, with serine, which is neutral and polar, at codon 1760 of the NEB protein (p.Ile1760Ser). This variant is present in population databases (rs777840781, gnomAD 0.0009%). This variant has not been reported in the literature in individuals affected with NEB-related conditions. ClinVar contains an entry for this variant (Variation ID: 1903337). Experimental studies and prediction algorithms are not available or were not evaluated, and the functional significance of this variant is currently unknown. In summary, the available evidence is currently insufficient to determine the role of this variant in disease. Therefore, it has been classified as a Variant of Uncertain Significance.

NM_001164508.2(NEB):c.5279T>G (p.Ile1760Ser)

Gene: NEB (nebulin; minus strand). Cytogenetic location: 2q23.3.
Variant type: single nucleotide variant.
Coding change: c.5279T>G on transcript NM_001164508.2 (MANE Select); coding-DNA position 5279, T replaced by G.
Protein change: p.Ile1760Ser; replaces isoleucine 1760 with serine.
Molecular consequence: missense variant.
Genome position (GRCh38, 1-based): chr2:151,664,823, A>C on the plus strand (T>G on the coding strand, the complement: NEB is on the minus strand). VCF-style: chr2-151664823-A-C. GRCh37 (hg19) VCF-style: chr2-152521337-A-C.
Other names: c.5279T>G, p.Ile1760Ser (NM_001164507.2, NM_001271208.2, NM_004543.5); short protein forms I1760S.
Identifiers: ClinVar variation 1903337 (VCV001903337.5), dbSNP rs777840781, ClinGen allele CA1910402.